The following is an entry in ClinVar:

NM_018139.3(DNAAF2):c.2428C>T (p.Gln810Ter)

Gene: DNAAF2 (dynein axonemal assembly factor 2; minus strand). Cytogenetic location: 14q21.3.
Variant type: single nucleotide variant.
Coding change: c.2428C>T on transcript NM_018139.3 (MANE Select); coding-DNA position 2428, C replaced by T.
Protein change: p.Gln810Ter; replaces glutamine 810 with a stop codon.
Molecular consequence: nonsense.
Genome position (GRCh38, 1-based): chr14:49,625,628, G>A on the plus strand (C>T on the coding strand, the complement: DNAAF2 is on the minus strand). VCF-style: chr14-49625628-G-A. GRCh37 (hg19) VCF-style: chr14-50092346-G-A.
Other names: c.2284C>T, p.Gln762Ter (NM_001083908.2); c.217C>T, p.Gln73Ter (NM_001378453.1); short protein forms Q762*, Q810*, Q73*.
Identifiers: ClinVar variation 803024 (VCV000803024.16), dbSNP rs747290752, ClinGen allele CA7172702.
Genomic context (GRCh38, chr14:49,625,628, plus strand): 5'-TCTGAAAACTGAATGCACAATTGGTCACATGATCTTTAATGACCTGCACACTACCATCCT[G>A]CATATTGGTTTCTTTTATGCTGTCGAATCCAGGTATATTGTGAACCGTAGTTTTGTTCAG-3'

ClinVar aggregate classification (germline): Conflicting classifications of pathogenicity. Review status: criteria provided, conflicting classifications (1 of 4 stars). 2 submissions from 2 submitters: Likely pathogenic (1); Uncertain significance (1). Last evaluated 2022-07-05.

Conditions:
Primary ciliary dyskinesia. Also called: Ciliary dyskinesia. Identifiers: Orphanet 244, MedGen C0008780, MONDO:0016575, HP:0012265.
Primary ciliary dyskinesia 10. Also called: CILIARY DYSKINESIA, PRIMARY, 10, WITH OR WITHOUT SITUS INVERSUS. Identifiers: Orphanet 244, MedGen C2675867, MONDO:0012918, OMIM 612518.

Allele frequency attached by ClinVar (database versions not stated): TOPMed below 0.00001; ExAC 0.00001; gnomAD exomes 0.00001.

Submissions (2):

Labcorp Genetics (formerly Invitae), Labcorp
Classification: Uncertain significance for Primary ciliary dyskinesia. Last evaluated: 2022-07-05. Review status: criteria provided, single submitter. Criteria: Invitae Variant Classification Sherloc (09022015). Collection method: clinical testing. Allele origin: germline.
Comment: This sequence change creates a premature translational stop signal (p.Gln810*) in the DNAAF2 gene. While this is not anticipated to result in nonsense mediated decay, it is expected to disrupt the last 28 amino acid(s) of the DNAAF2 protein. In summary, the available evidence is currently insufficient to determine the role of this variant in disease. Therefore, it has been classified as a Variant of Uncertain Significance. Experimental studies and prediction algorithms are not available or were not evaluated, and the functional significance of this variant is currently unknown. ClinVar contains an entry for this variant (Variation ID: 803024). This variant has not been reported in the literature in individuals affected with DNAAF2-related conditions. This variant is present in population databases (rs747290752, gnomAD 0.0009%).

Mendelics
Classification: Likely pathogenic for Primary ciliary dyskinesia 10. Last evaluated: 2019-05-28. Review status: criteria provided, single submitter. Criteria: Mendelics Assertion Criteria 2017. Collection method: clinical testing. Allele origin: unknown.